The following is an entry in ClinVar:

NM_001127671.2(LIFR):c.*4056G>T

Gene: LIFR (LIF receptor subunit alpha; minus strand). Cytogenetic location: 5p13.1.
Variant type: single nucleotide variant.
Coding change: c.*4056G>T on transcript NM_001127671.2 (MANE Select); 4056 bases downstream of the stop codon, G replaced by T.
Molecular consequence: 3 prime UTR variant.
Genome position (GRCh38, 1-based): chr5:38,477,539, C>A on the plus strand (G>T on the coding strand, the complement: LIFR is on the minus strand). VCF-style: chr5-38477539-C-A. GRCh37 (hg19) VCF-style: chr5-38477641-C-A.
Other names: c.*4056G>T (NM_001364297.2, NM_001364298.2, NM_002310.6).
Identifiers: ClinVar variation 353555 (VCV000353555.5), dbSNP rs73077449, ClinGen allele CA10621821.

ClinVar aggregate classification (germline): Benign (1 of 4 stars; one submission).

Conditions:
Stuve-Wiedemann syndrome (STWS). Also called: Stüve-Wiedemann syndrome. Identifiers: Orphanet 3206, MedGen C0796176, MONDO:0031280.

Allele frequency attached by ClinVar (database versions not stated): gnomAD 0.01539 and 0.01842; TOPMed 0.02010; gnomAD exomes 0.04282; 1000 Genomes Project 30x 0.06137; 1000 Genomes Project 0.06550.
gnomAD v4.1: 5,372 of 215,986 alleles (2.5%); highest among the groups gnomAD compares: East Asian, 26%; 516 homozygotes.

Submission:

Illumina Laboratory Services, Illumina
Classification: Benign for Stüve-Wiedemann syndrome 1. Last evaluated: 2018-01-13. Review status: criteria provided, single submitter. Criteria: ICSL Variant Classification Criteria 13 December 2019. Collection method: clinical testing. Allele origin: germline.
Comment: This variant was observed in the ICSL laboratory as part of a predisposition screen in an ostensibly healthy population. It had not been previously curated by ICSL or reported in the Human Gene Mutation Database (HGMD: prior to June 1st, 2018), and was therefore a candidate for classification through an automated scoring system. Utilizing variant allele frequency, disease prevalence and penetrance estimates, and inheritance mode, an automated score was calculated to assess if this variant is too frequent to cause the disease. Based on the score and internal cut-off values, a variant classified as benign is not then subjected to further curation. The score for this variant resulted in a classification of benign for this disease.